The following is an entry in ClinVar:

ClinVar aggregate classification (germline): Uncertain significance (1 of 4 stars; one submission).

Submission:

Greenwood Genetic Center Diagnostic Laboratories, Greenwood Genetic Center
Classification: Uncertain significance. Last evaluated: 2021-11-01. Review status: criteria provided, single submitter. Criteria: ACMG Guidelines, 2015. Collection method: clinical testing. Allele origin: germline. Affected: yes.
Comment: PM2

NM_002547.3(OPHN1):c.137T>A (p.Leu46His)

Gene: OPHN1 (oligophrenin 1; minus strand). Cytogenetic location: Xq12.
Variant type: single nucleotide variant.
Coding change: c.137T>A on transcript NM_002547.3 (MANE Select); coding-DNA position 137, T replaced by A.
Protein change: p.Leu46His; replaces leucine 46 with histidine.
Molecular consequence: missense variant.
Genome position (GRCh38, 1-based): chrX:68,432,884, A>T on the plus strand (T>A on the coding strand, the complement: OPHN1 is on the minus strand). VCF-style: chrX-68432884-A-T. GRCh37 (hg19) VCF-style: chrX-67652726-A-T.
Other names: short protein forms L46H.
Identifiers: ClinVar variation 1334630 (VCV001334630.4), dbSNP rs2147797152, ClinGen allele CA413434980.